The following is an entry in ClinVar:

NM_004370.6(COL12A1):c.8649+10C>T

Gene: COL12A1 (collagen type XII alpha 1 chain; minus strand). Cytogenetic location: 6q13.
Variant type: single nucleotide variant.
Coding change: c.8649+10C>T on transcript NM_004370.6 (MANE Select); 10 bases into the intron after coding-DNA position 8649, C replaced by T.
Molecular consequence: intron variant.
Genome position (GRCh38, 1-based): chr6:75,095,098, G>A on the plus strand (C>T on the coding strand, the complement: COL12A1 is on the minus strand). VCF-style: chr6-75095098-G-A. GRCh37 (hg19) VCF-style: chr6-75804814-G-A.
Other names: c.5157+10C>T (NM_001424116.1, NM_080645.3); c.8376+10C>T (NM_001424115.1); c.8628+10C>T (NM_001424114.1); c.8649+10C>T (NM_001424113.1).
Identifiers: ClinVar variation 4293696 (VCV004293696.1).

ClinVar aggregate classification (germline): Uncertain significance (1 of 4 stars; one submission).

Conditions:
Bethlem myopathy 2 (BTHLM2). Identifiers: Orphanet 536516, Orphanet 610, MedGen C4225313, MONDO:0034022, OMIM 616471.

Submission:

3billion
Classification: Uncertain significance for Bethlem myopathy 2. Last evaluated: 2024-09-10. Review status: criteria provided, single submitter. Criteria: ACMG Guidelines, 2015. Collection method: clinical testing. Allele origin: germline. Affected: yes.
Comment: The variant is not observed in the gnomAD v4.0.0 dataset. Predicted Consequence/Location: Intron variant Therefore, this variant is classified as VUS according to the recommendation of ACMG/AMP guideline.